The following is an entry in ClinVar:

ClinVar aggregate classification (germline): Uncertain significance. Review status: criteria provided, single submitter (1 of 4 stars). 2 submissions from 2 submitters: Uncertain significance (1). 1 of the submissions does not count toward it. Last evaluated 2021-09-28.

Conditions:
Leber congenital amaurosis 14 (LCA14). Identifiers: MedGen C2750063, MONDO:0013231, OMIM 613341.

Submissions (2):

Women's Health and Genetics/Laboratory Corporation of America, LabCorp
Classification: Uncertain significance. Last evaluated: 2021-09-28. Review status: criteria provided, single submitter. Criteria: LabCorp Variant Classification Summary - May 2015. Collection method: clinical testing. Allele origin: germline.
Comment: Variant summary: LRAT c.487C>T (p.His163Tyr) results in a conservative amino acid change located in the LRAT domain (IPR007053) of the encoded protein sequence. Three of five in-silico tools predict a damaging effect of the variant on protein function. The variant was absent in 250156 control chromosomes. The available data on variant occurrences in the general population are insufficient to allow any conclusion about variant significance. To our knowledge, no occurrence of c.487C>T in individuals affected with Leber Congenital Amaurosis and no experimental evidence demonstrating its impact on protein function have been reported. One laboratory has submitted clinical-significance assessments for this variant to ClinVar after 2014 in a research mode without evidence for independent evaluation. This submitter classified the variant as likely pathogenic. Based on the evidence outlined above, the variant was classified as uncertain significance.

Laboratory of Genetics in Ophthalmology, Institut Imagine
Classification: Likely pathogenic for Leber congenital amaurosis 14. Review status: no assertion criteria provided. Collection method: research. Allele origin: inherited. Affected: yes. Observed: 2 variant alleles. Not counted in ClinVar's aggregate classification.

NM_004744.5(LRAT):c.487C>T (p.His163Tyr)

Gene: LRAT (lecithin retinol acyltransferase; plus strand). Cytogenetic location: 4q32.1.
Variant type: single nucleotide variant.
Coding change: c.487C>T on transcript NM_004744.5 (MANE Select); coding-DNA position 487, C replaced by T.
Protein change: p.His163Tyr; replaces histidine 163 with tyrosine.
Molecular consequence: missense variant.
Genome position (GRCh38, 1-based): chr4:154,744,813, C>T. VCF-style: chr4-154744813-C-T. GRCh37 (hg19) VCF-style: chr4-155665965-C-T.
Other names: c.487C>T, p.His163Tyr (NM_001301645.2); short protein forms H163Y.
Identifiers: ClinVar variation 978448 (VCV000978448.2), dbSNP rs1010347467, ClinGen allele CA108930224.